The following is an entry in ClinVar:

ClinVar aggregate classification (germline): Benign (1 of 4 stars; one submission).

gnomAD v4.1: 1,476 of 1,062,046 alleles (0.14%); highest among the groups gnomAD compares: African/African-American, 0.82%; 406 homozygotes.

Submission:

CeGaT Center for Human Genetics Tuebingen
Classification: Benign. Last evaluated: 2025-02-01. Review status: criteria provided, single submitter. Criteria: CeGaT Center For Human Genetics Tuebingen Variant Classification Criteria Version 2. Collection method: clinical testing. Allele origin: germline. Affected: yes. Observed: 1 variant allele.
Comment: AHNAK2: BP4, BS1, BS2

NM_138420.4(AHNAK2):c.4418G>C (p.Gly1473Ala)

Gene: AHNAK2 (AHNAK nucleoprotein 2; minus strand). Cytogenetic location: 14q32.33.
Variant type: single nucleotide variant.
Coding change: c.4418G>C on transcript NM_138420.4 (MANE Select); coding-DNA position 4418, G replaced by C.
Protein change: p.Gly1473Ala; replaces glycine 1473 with alanine.
Molecular consequence: missense variant.
Genome position (GRCh38, 1-based): chr14:104,951,033, C>G on the plus strand (G>C on the coding strand, the complement: AHNAK2 is on the minus strand). VCF-style: chr14-104951033-C-G. GRCh37 (hg19) VCF-style: chr14-105417370-C-G.
Other names: c.4118G>C, p.Gly1373Ala (NM_001350929.2); short protein forms G1373A, G1473A.
Identifiers: ClinVar variation 3770671 (VCV003770671.13).